The following is an entry in ClinVar:

NM_001242896.3(DEPDC5):c.218_219del (p.Val73fs)

Gene: DEPDC5 (DEP domain containing 5, GATOR1 subcomplex subunit; plus strand). Cytogenetic location: 22q12.2.
Variant type: Microsatellite.
Coding change: c.218_219del on transcript NM_001242896.3 (MANE Select); coding-DNA positions 218 to 219, 2 bases deleted (TG; older notation c.218_219delTG).
Protein change: p.Val73fs; shifts the reading frame from valine 73.
Molecular consequence: frameshift variant. On other transcripts: non-coding transcript variant (5).
Genome position (GRCh38, 1-based): chr22:31,764,999-31,765,000, TG deleted; deleting any 2 consecutive bases within chr22:31,764,997-31,765,000 gives the same sequence; the c. name uses the placement nearest the transcript's 3' end. VCF-style (leftmost placement, unchanged base first): chr22-31764996-CTG-C. GRCh37 (hg19) VCF-style: chr22-32160982-CTG-C.
Other names: c.218_219del, p.Val73fs (NM_001007188.4, NM_001136029.4, NM_001242897.2 and 9 more transcripts); short protein forms V73fs.
Identifiers: ClinVar variation 1163674 (VCV001163674.10), dbSNP rs2148103243, ClinGen allele CA2580615294.

ClinVar aggregate classification (germline): Pathogenic/Likely pathogenic. Review status: criteria provided, multiple submitters, no conflicts (2 of 4 stars). 2 submissions from 2 submitters: Pathogenic (1); Likely pathogenic (1). Last evaluated 2021-10-24.

Conditions:
Familial focal epilepsy with variable foci (FPEVF). Identifiers: Orphanet 98820, MedGen C1858477, MONDO:0020310.

Submissions (2):

Labcorp Genetics (formerly Invitae), Labcorp
Classification: Pathogenic for Familial focal epilepsy with variable foci. Last evaluated: 2021-10-24. Review status: criteria provided, single submitter. Criteria: Invitae Variant Classification Sherloc (09022015). Collection method: clinical testing. Allele origin: germline.
Comment: This sequence change creates a premature translational stop signal (p.Val73Aspfs*15) in the DEPDC5 gene. It is expected to result in an absent or disrupted protein product. Loss-of-function variants in DEPDC5 are known to be pathogenic (PMID: 23542697, 23542701). This variant is not present in population databases (ExAC no frequency). This variant has not been reported in the literature in individuals affected with DEPDC5-related conditions. ClinVar contains an entry for this variant (Variation ID: 1163674). For these reasons, this variant has been classified as Pathogenic.

Mayo Clinic Laboratories, Mayo Clinic
Classification: Likely pathogenic. Last evaluated: 2019-06-18. Review status: criteria provided, single submitter. Criteria: ACMG Guidelines, 2015. Collection method: clinical testing. Allele origin: germline. Observed: 1 variant allele.
Comment: PVS1, PM2

Literature cited by the submitters: PubMed 23542697 (cited by Labcorp Genetics (formerly Invitae), Labcorp); PubMed 23542701 (cited by Labcorp Genetics (formerly Invitae), Labcorp).